The following is an entry in ClinVar:

ClinVar aggregate classification (germline): Likely pathogenic (1 of 4 stars; one submission).

Conditions:
Curry-Hall syndrome (WAD). Also called: WEYERS ACRODENTAL DYSOSTOSIS. Identifiers: Orphanet 952, MedGen C0457013, MONDO:0008673, OMIM 193530.
Ellis-van Creveld syndrome (EVC). Also called: Chondroectodermal dysplasia; EVC-Related Ellis-van Creveld Syndrome; EVC2-Related Ellis-van Creveld Syndrome; MESOECTODERMAL DYSPLASIA. Identifiers: Orphanet 289, MedGen C0013903, MONDO:0009162, OMIM 225500.

Allele frequency attached by ClinVar (database versions not stated): TOPMed 0.00001.

Submission:

Labcorp Genetics (formerly Invitae), Labcorp
Classification: Likely pathogenic for Curry-Hall syndrome; Ellis-van Creveld syndrome. Last evaluated: 2022-08-07. Review status: criteria provided, single submitter. Criteria: Invitae Variant Classification Sherloc (09022015). Collection method: clinical testing. Allele origin: germline.
Comment: This sequence change affects an acceptor splice site in intron 5 of the EVC gene. It is expected to disrupt RNA splicing. Variants that disrupt the donor or acceptor splice site typically lead to a loss of protein function (PMID: 16199547), and loss-of-function variants in EVC are known to be pathogenic (PMID: 23220543). This variant is not present in population databases (gnomAD no frequency). Disruption of this splice site has been observed in individual(s) with Ellis-van Creveld syndrome (PMID: 17024374). ClinVar contains an entry for this variant (Variation ID: 944207). Algorithms developed to predict the effect of sequence changes on RNA splicing suggest that this variant may disrupt the consensus splice site. In summary, the currently available evidence indicates that the variant is pathogenic, but additional data are needed to prove that conclusively. Therefore, this variant has been classified as Likely Pathogenic.

Literature cited by the submitters: PubMed 16199547; PubMed 23220543; PubMed 17024374.

NM_153717.3(EVC):c.703-1G>C

Gene: EVC (EvC ciliary complex subunit 1; plus strand). Cytogenetic location: 4p16.2.
Variant type: single nucleotide variant.
Coding change: c.703-1G>C on transcript NM_153717.3 (MANE Select); the canonical splice acceptor site of the intron before coding-DNA position 703, G replaced by C.
Molecular consequence: splice acceptor variant.
Genome position (GRCh38, 1-based): chr4:5,741,715, G>C. VCF-style: chr4-5741715-G-C. GRCh37 (hg19) VCF-style: chr4-5743442-G-C.
Other names: c.703-1G>C (NM_001306092.2, NM_001306090.2).
Identifiers: ClinVar variation 944207 (VCV000944207.11), dbSNP rs1485152854, ClinGen allele CA356147215.
Genomic context (GRCh38, chr4:5,741,715, plus strand): 5'-AAAAGACAAAAATACCATTGATTAAACTTTTCTTTTGTTATCTTTCCTTTCTTGGCAATA[G>C]ATGTTTATTCAGATTTTTAAAATGTGCCTCCTTGACCTTCTTCCTAAAAAGAAGTCAGAT-3'